The following is an entry in ClinVar:

ClinVar aggregate classification (germline): Uncertain significance (1 of 4 stars; one submission).

Allele frequency attached by ClinVar (database versions not stated): TOPMed 0.00001; gnomAD 0.00004; gnomAD exomes 0.00007; ExAC 0.00009; 1000 Genomes Project 30x 0.00031; 1000 Genomes Project 0.00040.
gnomAD v4.1: 148 of 1,588,036 alleles (0.0093%); highest among the groups gnomAD compares: East Asian, 0.33%; no homozygotes.

Submission:

Labcorp Genetics (formerly Invitae), Labcorp
Classification: Uncertain significance. Last evaluated: 2025-02-25. Review status: criteria provided, single submitter. Criteria: Invitae Variant Classification Sherloc (09022015). Collection method: clinical testing. Allele origin: germline.
Comment: This sequence change replaces valine, which is neutral and non-polar, with glycine, which is neutral and non-polar, at codon 119 of the CLUAP1 protein (p.Val119Gly). This variant is present in population databases (rs200792429, gnomAD 0.1%), and has an allele count higher than expected for a pathogenic variant. This variant has not been reported in the literature in individuals affected with CLUAP1-related conditions. ClinVar contains an entry for this variant (Variation ID: 1008915). Invitae Evidence Modeling of protein sequence and biophysical properties (such as structural, functional, and spatial information, amino acid conservation, physicochemical variation, residue mobility, and thermodynamic stability) indicates that this missense variant is not expected to disrupt CLUAP1 protein function with a negative predictive value of 80%. In summary, the available evidence is currently insufficient to determine the role of this variant in disease. Therefore, it has been classified as a Variant of Uncertain Significance.

NM_015041.3(CLUAP1):c.356T>G (p.Val119Gly)

Gene: CLUAP1 (clusterin associated protein 1; plus strand). Cytogenetic location: 16p13.3.
Variant type: single nucleotide variant.
Coding change: c.356T>G on transcript NM_015041.3 (MANE Select); coding-DNA position 356, T replaced by G.
Protein change: p.Val119Gly; replaces valine 119 with glycine.
Molecular consequence: missense variant.
Genome position (GRCh38, 1-based): chr16:3,508,425, T>G. VCF-style: chr16-3508425-T-G. GRCh37 (hg19) VCF-style: chr16-3558425-T-G.
Other names: c.356T>G, p.Val119Gly (NM_001330454.2); short protein forms V119G.
Identifiers: ClinVar variation 1008915 (VCV001008915.7), dbSNP rs200792429, ClinGen allele CA7863694.
Genomic context (GRCh38, chr16:3,508,425, plus strand): 5'-AGATCACATCTGTCCTTTATAATGCTATGAAGACCAAGGGGATGGAGGGCTCTGAAATAG[T>G]AGAGGAAGATGTCAACAAGTTCAAGTTTGATCTTGGCTCAAAGGTAAGGACAACAAAAGC-3'
Protein context (NP_055856.1, residues 109-129): KTKGMEGSEI[Val119Gly]EEDVNKFKFD